The following is an entry in ClinVar:

ClinVar aggregate classification (germline): Uncertain significance. Review status: criteria provided, multiple submitters, no conflicts (2 of 4 stars). 2 submissions from 2 submitters: Uncertain significance (2). Last evaluated 2025-06-26.

Conditions:
Microcephaly, normal intelligence and immunodeficiency (NBS). Also called: BERLIN BREAKAGE SYNDROME; Nijmegen breakage syndrome; Microcephaly with normal intelligence immunodeficiency and lymphoreticular malignancies; Nonsyndromal microcephaly autosomal recessive with normal intelligence; Seemanova syndrome 2; IMMUNODEFICIENCY, MICROCEPHALY, AND CHROMOSOMAL INSTABILITY. Identifiers: Orphanet 647, MedGen C0398791, MONDO:0009623, OMIM 251260.
Hereditary cancer-predisposing syndrome. Also called: Neoplastic Syndromes, Hereditary; Tumor predisposition; Hereditary neoplastic syndrome; Hereditary Cancer Syndrome. Identifiers: Orphanet 140162, MedGen C0027672, MeSH D009386, MONDO:0015356.

Submissions (2):

Ambry Genetics
Classification: Uncertain significance for Hereditary cancer-predisposing syndrome. Last evaluated: 2025-06-26. Review status: criteria provided, single submitter. Criteria: Ambry Variant Classification Scheme 2023. Collection method: clinical testing. Allele origin: germline.
Comment: The p.L133F variant (also known as c.399G>T), located in coding exon 4 of the NBN gene, results from a G to T substitution at nucleotide position 399. The leucine at codon 133 is replaced by phenylalanine, an amino acid with highly similar properties. This amino acid position is conserved. In addition, this alteration is predicted to be tolerated by in silico analysis. Based on the available evidence, the clinical significance of this variant remains unclear.

Labcorp Genetics (formerly Invitae), Labcorp
Classification: Uncertain significance for Microcephaly, normal intelligence and immunodeficiency. Last evaluated: 2021-04-28. Review status: criteria provided, single submitter. Criteria: Invitae Variant Classification Sherloc (09022015). Collection method: clinical testing. Allele origin: germline.
Comment: Algorithms developed to predict the effect of missense changes on protein structure and function output the following: SIFT: "Tolerated"; PolyPhen-2: "Benign"; Align-GVGD: "Class C0". The phenylalanine amino acid residue is found in multiple mammalian species, suggesting that this missense change does not adversely affect protein function. These predictions have not been confirmed by published functional studies and their clinical significance is uncertain. This variant has not been reported in the literature in individuals with NBN-related conditions. This variant is not present in population databases (ExAC no frequency). This sequence change replaces leucine with phenylalanine at codon 133 of the NBN protein (p.Leu133Phe). The leucine residue is weakly conserved and there is a small physicochemical difference between leucine and phenylalanine. In summary, the available evidence is currently insufficient to determine the role of this variant in disease. Therefore, it has been classified as a Variant of Uncertain Significance.

NM_002485.5(NBN):c.399G>T (p.Leu133Phe)

Gene: NBN (nibrin; minus strand). Cytogenetic location: 8q21.3.
Variant type: single nucleotide variant.
Coding change: c.399G>T on transcript NM_002485.5 (MANE Select); coding-DNA position 399, G replaced by T.
Protein change: p.Leu133Phe; replaces leucine 133 with phenylalanine.
Molecular consequence: missense variant.
Genome position (GRCh38, 1-based): chr8:89,980,815, C>A on the plus strand (G>T on the coding strand, the complement: NBN is on the minus strand). VCF-style: chr8-89980815-C-A. GRCh37 (hg19) VCF-style: chr8-90993043-C-A.
Other names: c.399G>T (NM_002485.4); c.153G>T, p.Leu51Phe (NM_001024688.3); short protein forms L51F, L133F.
Identifiers: ClinVar variation 1487050 (VCV001487050.9), dbSNP rs2129909551, ClinGen allele CA371661911.